The following is an entry in ClinVar:

NM_006734.4(HIVEP2):c.5956C>T (p.Pro1986Ser)

Gene: HIVEP2 (HIVEP zinc finger 2; minus strand). Cytogenetic location: 6q24.2.
Variant type: single nucleotide variant.
Coding change: c.5956C>T on transcript NM_006734.4 (MANE Select); coding-DNA position 5956, C replaced by T.
Protein change: p.Pro1986Ser; replaces proline 1986 with serine.
Molecular consequence: missense variant.
Genome position (GRCh38, 1-based): chr6:142,760,332, G>A on the plus strand (C>T on the coding strand, the complement: HIVEP2 is on the minus strand). VCF-style: chr6-142760332-G-A. GRCh37 (hg19) VCF-style: chr6-143081469-G-A.
Other names: c.5956C>T (NM_006734.3); short protein forms P1986S.
Identifiers: ClinVar variation 2136669 (VCV002136669.7), dbSNP rs772171638, ClinGen allele CA4027765.

ClinVar aggregate classification (germline): Likely benign. Review status: criteria provided, multiple submitters, no conflicts (2 of 4 stars). 3 submissions from 3 submitters: Likely benign (2). 1 of the submissions does not count toward it. Last evaluated 2025-03-10.

Conditions:
HIVEP2-related disorder. Also called: HIVEP2-related condition.

Allele frequency attached by ClinVar (database versions not stated): gnomAD exomes 0.00004; TOPMed 0.00005; gnomAD 0.00006; ExAC 0.00014.
gnomAD v4.1: 73 of 1,614,122 alleles (0.0045%); highest among the groups gnomAD compares: South Asian, 0.058%; 1 homozygote.

Submissions (3):

Labcorp Genetics (formerly Invitae), Labcorp
Classification: Likely benign. Last evaluated: 2025-03-10. Review status: criteria provided, single submitter. Criteria: Invitae Variant Classification Sherloc (09022015). Collection method: clinical testing. Allele origin: germline.

Laboratory of Genetics, Children's Clinical University Hospital Latvia
Classification: Likely benign. Last evaluated: 2025-02-16. Review status: criteria provided, single submitter. Criteria: ACMG Guidelines, 2015. Collection method: clinical testing. Allele origin: germline. Affected: yes.

PreventionGenetics, part of Exact Sciences
Classification: Likely benign for HIVEP2-related condition. Last evaluated: 2021-02-09. Review status: no assertion criteria provided. Collection method: clinical testing. Allele origin: germline. Not counted in ClinVar's aggregate classification.
Comment: This variant is classified as likely benign based on ACMG/AMP sequence variant interpretation guidelines (Richards et al. 2015 PMID: 25741868, with internal and published modifications).